The following is an entry in ClinVar:

NM_001114753.3(ENG):c.361-36_370del

Gene: ENG (endoglin; minus strand). Cytogenetic location: 9q34.11.
Variant type: Deletion.
Coding change: c.361-36_370del on transcript NM_001114753.3 (MANE Select); 36 bases into the intron before coding-DNA position 361 through coding-DNA position 370, 46 bases deleted.
Molecular consequence: splice acceptor variant.
Genome position (GRCh38, 1-based): chr9:127,826,663-127,826,708, 46 bases deleted; deleting any 46 consecutive bases within chr9:127,826,663-127,826,711 gives the same sequence; the c. name uses the placement nearest the transcript's 3' end. GRCh37 (hg19): chr9:130,588,945-130,588,990.
Other names: c.361-36_370del (NM_000118.4, NM_001406715.1); c.-186-36_-177del (NM_001278138.2).
Identifiers: ClinVar variation 1351766 (VCV001351766.8), dbSNP rs2131890746, ClinGen allele CA2573143992.

ClinVar aggregate classification (germline): Pathogenic (1 of 4 stars; one submission).

Conditions:
Hereditary hemorrhagic telangiectasia (HHT). Also called: ORW DISEASE; Osler Weber Rendu syndrome; OSLER-RENDU-WEBER DISEASE; Osler hemorrhagic telangiectasia syndrome. Identifiers: Orphanet 774, MedGen C0039445, MONDO:0019180. Disease mechanism: loss of function.

Submission:

Labcorp Genetics (formerly Invitae), Labcorp
Classification: Pathogenic for Hereditary hemorrhagic telangiectasia. Last evaluated: 2021-09-20. Review status: criteria provided, single submitter. Criteria: Invitae Variant Classification Sherloc (09022015). Collection method: clinical testing. Allele origin: germline.
Comment: For these reasons, this variant has been classified as Pathogenic. Algorithms developed to predict the effect of sequence changes on RNA splicing suggest that this variant may disrupt the consensus splice site. This variant has been observed in individual(s) with clinical features of hereditary hemorrhagic telangiectasia (Invitae). This variant is not present in population databases (ExAC no frequency). This variant results in the deletion of part of exon 4 of the ENG gene. It is expected to disrupt RNA splicing. Variants that disrupt the donor or acceptor splice site typically lead to a loss of protein function (PMID: 16199547), and loss-of-function variants in ENG are known to be pathogenic (PMID: 15879500).

Literature cited by the submitters: PubMed 16199547; PubMed 15879500.